The following is an entry in ClinVar:

ClinVar aggregate classification (germline): Pathogenic. Review status: criteria provided, multiple submitters, no conflicts (2 of 4 stars). 2 submissions from 2 submitters: Pathogenic (2). Last evaluated 2024-02-08.

Conditions:
Hereditary cancer-predisposing syndrome. Also called: Hereditary neoplastic syndrome; Tumor predisposition; Hereditary Cancer Syndrome; Neoplastic Syndromes, Hereditary. Identifiers: Orphanet 140162, MedGen C0027672, MeSH D009386, MONDO:0015356.
Hyperparathyroidism 1 (HRPT1). Also called: HYPERPARATHYROIDISM, FAMILIAL ISOLATED PRIMARY. Identifiers: Orphanet 99879, MedGen C1840402, MONDO:0007767, OMIM 145000.

Submissions (2):

Baylor Genetics
Classification: Pathogenic for Hyperparathyroidism 1. Last evaluated: 2024-02-08. Review status: criteria provided, single submitter. Criteria: ACMG Guidelines, 2015. Collection method: clinical testing. Allele origin: unknown.

Ambry Genetics
Classification: Pathogenic for Hereditary cancer-predisposing syndrome. Last evaluated: 2023-06-27. Review status: criteria provided, single submitter. Criteria: Ambry Variant Classification Scheme 2023. Collection method: clinical testing. Allele origin: germline.
Comment: The p.R229* pathogenic mutation (also known as c.685A>T), located in coding exon 7 of the CDC73 gene, results from an A to T substitution at nucleotide position 685. This changes the amino acid from an arginine to a stop codon within coding exon 7. This variant is considered to be rare based on population cohorts in the Genome Aggregation Database (gnomAD). This alteration is expected to result in loss of function by premature protein truncation or nonsense-mediated mRNA decay. As such, this alteration is interpreted as a disease-causing mutation.

Literature cited by the submitters: PubMed 28870973 (cited by Ambry Genetics).

NM_024529.5(CDC73):c.685A>T (p.Arg229Ter)

Gene: CDC73 (cell division cycle 73; plus strand). Cytogenetic location: 1q31.2.
Variant type: single nucleotide variant.
Coding change: c.685A>T on transcript NM_024529.5 (MANE Select); coding-DNA position 685, A replaced by T.
Protein change: p.Arg229Ter; replaces arginine 229 with a stop codon.
Molecular consequence: nonsense.
Genome position (GRCh38, 1-based): chr1:193,142,022, A>T. VCF-style: chr1-193142022-A-T. GRCh37 (hg19) VCF-style: chr1-193111152-A-T.
Other names: short protein forms R229*.
Identifiers: ClinVar variation 2585772 (VCV002585772.3), dbSNP rs2527324739, ClinGen allele CA343962761.